The following is an entry in ClinVar:

NM_000059.4(BRCA2):c.9460C>T (p.His3154Tyr)

Gene: BRCA2 (BRCA2 DNA repair associated; plus strand). Cytogenetic location: 13q13.1.
Variant type: single nucleotide variant.
Coding change: c.9460C>T on transcript NM_000059.4 (MANE Select); coding-DNA position 9460, C replaced by T.
Protein change: p.His3154Tyr; replaces histidine 3154 with tyrosine.
Molecular consequence: missense variant.
Genome position (GRCh38, 1-based): chr13:32,394,892, C>T. VCF-style: chr13-32394892-C-T. GRCh37 (hg19) VCF-style: chr13-32969029-C-T.
Other names: short protein forms H3154Y.
Identifiers: ClinVar variation 531393 (VCV000531393.14), dbSNP rs760189451, ClinGen allele CA6941385.

ClinVar aggregate classification (germline): Uncertain significance. Review status: criteria provided, multiple submitters, no conflicts (2 of 4 stars). 3 submissions from 3 submitters: Uncertain significance (3). Last evaluated 2024-02-24.

Conditions:
Breast-ovarian cancer, familial, susceptibility to, 2 (BROVCA2). Also called: BRCA2 Hereditary Breast and Ovarian Cancer. Identifiers: Orphanet 145, MedGen C2675520, MONDO:0012933, OMIM 612555. Disease mechanism: loss of function.
Hereditary breast ovarian cancer syndrome. Also called: Hereditary breast and ovarian cancer syndrome; Hereditary breast and ovarian cancer syndrome (HBOC); BRCA1- and BRCA2-Associated Hereditary Breast and Ovarian Cancer; Hereditary breast and ovarian cancer; Breast and ovarian cancer; Hereditary breast and/or ovarian cancer syndrome. Identifiers: Orphanet 145, MedGen C0677776, MeSH D061325, MONDO:0003582. Disease mechanism: loss of function.
Hereditary cancer-predisposing syndrome. Also called: Neoplastic Syndromes, Hereditary; Hereditary neoplastic syndrome; Tumor predisposition; Hereditary Cancer Syndrome. Identifiers: Orphanet 140162, MedGen C0027672, MeSH D009386, MONDO:0015356.

Allele frequency attached by ClinVar (database versions not stated): gnomAD exomes below 0.00001; ExAC 0.00001; TOPMed 0.00001.
gnomAD v4.1: 2 of 1,614,074 alleles (0.00012%); highest among the groups gnomAD compares: Non-Finnish European, 0.00017%; no homozygotes.

Submissions (3):

St. Jude Molecular Pathology, St. Jude Children's Research Hospital
Classification: Uncertain significance for Breast-ovarian cancer, familial, susceptibility to, 2. Last evaluated: 2024-02-24. Review status: criteria provided, single submitter. Criteria: St. Jude Assertion Criteria 2020. Collection method: clinical testing. Allele origin: germline.
Comment: The BRCA2 c.9460C>T (p.His3154Tyr) missense change has a maximum subpopulation frequency of 0.00088% in gnomAD v2.1.1. The in silico tool REVEL is inconclusive about a pathogenic or benign effect of this variant on protein function, and to our knowledge functional studies have not been performed. To our knowledge, this variant has not been reported in individuals with BRCA2-related disease. In summary, the evidence currently available is insufficient to determine the clinical significance of this variant. It has therefore been classified as of uncertain significance.

Ambry Genetics
Classification: Uncertain significance for Hereditary cancer-predisposing syndrome. Last evaluated: 2023-03-18. Review status: criteria provided, single submitter. Criteria: Ambry Variant Classification Scheme 2023. Collection method: clinical testing. Allele origin: germline.
Comment: The p.H3154Y variant (also known as c.9460C>T), located in coding exon 24 of the BRCA2 gene, results from a C to T substitution at nucleotide position 9460. The histidine at codon 3154 is replaced by tyrosine, an amino acid with similar properties. This amino acid position is well conserved in available vertebrate species. In addition, the in silico prediction for this alteration is inconclusive. Since supporting evidence is limited at this time, the clinical significance of this alteration remains unclear.

Labcorp Genetics (formerly Invitae), Labcorp
Classification: Uncertain significance for Hereditary breast ovarian cancer syndrome. Last evaluated: 2017-12-08. Review status: criteria provided, single submitter. Criteria: Invitae Variant Classification Sherloc (09022015). Collection method: clinical testing. Allele origin: germline.
Comment: This variant has not been reported in the literature in individuals with BRCA2-related disease. In summary, the available evidence is currently insufficient to determine the role of this variant in disease. Therefore, it has been classified as a Variant of Uncertain Significance. Algorithms developed to predict the effect of missense changes on protein structure and function output the following: SIFT: "Tolerated"; PolyPhen-2: "Probably Damaging"; Align-GVGD: "Class C0". The tyrosine amino acid residue is found in multiple mammalian species, suggesting that this missense change does not adversely affect protein function. These predictions have not been confirmed by published functional studies and their clinical significance is uncertain. This variant is present in population databases (rs760189451, ExAC 0.001%). This sequence change replaces histidine with tyrosine at codon 3154 of the BRCA2 protein (p.His3154Tyr). The histidine residue is highly conserved and there is a moderate physicochemical difference between histidine and tyrosine.